The following is an entry in ClinVar:

NM_017739.4(POMGNT1):c.172A>G (p.Ile58Val)

Gene: POMGNT1 (protein O-linked mannose N-acetylglucosaminyltransferase 1 (beta 1,2-); minus strand). Cytogenetic location: 1p34.1.
Variant type: single nucleotide variant.
Coding change: c.172A>G on transcript NM_017739.4 (MANE Select); coding-DNA position 172, A replaced by G.
Protein change: p.Ile58Val; replaces isoleucine 58 with valine.
Molecular consequence: missense variant. On other transcripts: 5 prime UTR variant (1).
Genome position (GRCh38, 1-based): chr1:46,197,033, T>C on the plus strand (A>G on the coding strand, the complement: POMGNT1 is on the minus strand). VCF-style: chr1-46197033-T-C. GRCh37 (hg19) VCF-style: chr1-46662705-T-C.
Other names: c.172A>G, p.Ile58Val (NM_001243766.2, NM_001410783.1); c.106A>G, p.Ile36Val (NM_001290129.3); c.-258A>G (NM_001290130.2); short protein forms I58V, I36V.
Identifiers: ClinVar variation 288926 (VCV000288926.13), dbSNP rs886044042, ClinGen allele CA10606268.

ClinVar aggregate classification (germline): Uncertain significance. Review status: criteria provided, multiple submitters, no conflicts (2 of 4 stars). 6 submissions from 6 submitters: Uncertain significance (5). 1 of the submissions does not count toward it. Last evaluated 2025-03-12.

Conditions:
Muscular dystrophy-dystroglycanopathy (congenital with impaired intellectual development), type B, 3. Also called: Muscular dystrophy-dystroglycanopathy (congenital with intellectual disability), type B3; MUSCULAR DYSTROPHY, CONGENITAL, POMGNT1-RELATED. Identifiers: MedGen C3150412, MONDO:0013155, OMIM 613151.
Autosomal recessive limb-girdle muscular dystrophy type 2O. Also called: MUSCULAR DYSTROPHY-DYSTROGLYCANOPATHY, LIMB-GIRDLE, POMGNT1-RELATED; Limb-Girdle Muscular Dystrophy Type 3C; MUSCULAR DYSTROPHY-DYSTROGLYCANOPATHY (LIMB-GIRDLE), TYPE C, 3. Identifiers: Orphanet 206564, MedGen C3150417, MONDO:0013161, OMIM 613157.
Muscle eye brain disease (MEB). Also called: Santavuori congenital muscular dystrophy. Identifiers: Orphanet 588, Orphanet 899, MedGen C0457133, MONDO:0018939.

Allele frequency attached by ClinVar (database versions not stated): gnomAD 0.00001 and 0.00002; gnomAD exomes 0.00001 and 0.00002; TOPMed 0.00001.
gnomAD v4.1: 30 of 1,614,006 alleles (0.0019%); highest among the groups gnomAD compares: Non-Finnish European, 0.0023%; no homozygotes.

Submissions (6):

Revvity Omics, Revvity
Classification: Uncertain significance. Last evaluated: 2025-03-12. Review status: criteria provided, single submitter. Criteria: ACMG Guidelines, 2015. Collection method: clinical testing. Allele origin: germline.

Labcorp Genetics (formerly Invitae), Labcorp
Classification: Uncertain significance for Autosomal recessive limb-girdle muscular dystrophy type 2O; Muscular dystrophy-dystroglycanopathy (congenital with impaired intellectual development), type B, 3. Last evaluated: 2022-08-23. Review status: criteria provided, single submitter. Criteria: Invitae Variant Classification Sherloc (09022015). Collection method: clinical testing. Allele origin: germline.
Comment: This sequence change replaces isoleucine, which is neutral and non-polar, with valine, which is neutral and non-polar, at codon 58 of the POMGNT1 protein (p.Ile58Val). This variant is present in population databases (no rsID available, gnomAD 0.004%). This variant has not been reported in the literature in individuals affected with POMGNT1-related conditions. ClinVar contains an entry for this variant (Variation ID: 288926). Advanced modeling of protein sequence and biophysical properties (such as structural, functional, and spatial information, amino acid conservation, physicochemical variation, residue mobility, and thermodynamic stability) performed at Invitae indicates that this missense variant is not expected to disrupt POMGNT1 protein function. In summary, the available evidence is currently insufficient to determine the role of this variant in disease. Therefore, it has been classified as a Variant of Uncertain Significance.

GeneDx
Classification: Uncertain significance. Last evaluated: 2021-12-07. Review status: criteria provided, single submitter. Criteria: GeneDx Variant Classification Process June 2021. Collection method: clinical testing. Allele origin: germline. Affected: yes.
Comment: Not observed at a significant frequency in large population cohorts (Lek et al., 2016); In silico analysis supports that this missense variant does not alter protein structure/function; Has not been previously published as pathogenic or benign to our knowledge

Blueprint Genetics
Classification: Uncertain significance. Last evaluated: 2021-04-21. Review status: criteria provided, single submitter. Criteria: ACMG Guidelines, 2015. Collection method: clinical testing. Allele origin: germline.

Eurofins Ntd Llc (ga)
Classification: Uncertain significance. Last evaluated: 2016-06-23. Review status: criteria provided, single submitter. Criteria: EGL Classification Definitions 2015. Collection method: clinical testing. Allele origin: germline. Observed: 1 variant allele, 1 heterozygote.

Natera, Inc.
Classification: Uncertain significance for Muscle-eye-brain disease. Last evaluated: 2020-03-10. Review status: no assertion criteria provided. Collection method: clinical testing. Allele origin: germline. Not counted in ClinVar's aggregate classification.